The following is an entry in ClinVar:

NM_015909.4(NBAS):c.1185G>A (p.Trp395Ter)

Gene: NBAS (NBAS subunit of NRZ tethering complex; minus strand). Cytogenetic location: 2p24.3.
Variant type: single nucleotide variant.
Coding change: c.1185G>A on transcript NM_015909.4 (MANE Select); coding-DNA position 1185, G replaced by A.
Protein change: p.Trp395Ter; replaces tryptophan 395 with a stop codon.
Molecular consequence: nonsense. On other transcripts: non-coding transcript variant (1).
Genome position (GRCh38, 1-based): chr2:15,475,843, C>T on the plus strand (G>A on the coding strand, the complement: NBAS is on the minus strand). VCF-style: chr2-15475843-C-T. GRCh37 (hg19) VCF-style: chr2-15615967-C-T.
Other names: c.1185G>A (NM_015909.3); short protein forms W395*.
Identifiers: ClinVar variation 3629268 (VCV003629268.4).

ClinVar aggregate classification (germline): Pathogenic/Likely pathogenic. Review status: criteria provided, multiple submitters, no conflicts (2 of 4 stars). 3 submissions from 3 submitters: Pathogenic (1); Likely pathogenic (2). Last evaluated 2026-08-14.

Conditions:
NBAS-related disorder. Also called: NBAS-related condition.

gnomAD v4.1: 35 of 1,613,750 alleles (0.0022%); highest among the groups gnomAD compares: Non-Finnish European, 0.0019%; no homozygotes.

Submissions (3):

PreventionGenetics, part of Exact Sciences
Classification: Likely pathogenic for NBAS-related condition. Last evaluated: 2026-08-14. Review status: criteria provided, single submitter. Criteria: ACMG Guidelines, 2015. Collection method: clinical testing. Allele origin: germline.
Comment: The NBAS c.1185G>A variant is predicted to result in premature protein termination (p.Trp395*). This variant has been reported in study of autosomal recessive inherited retinal diseases (Table S3, Hanany et al. 2020. PubMed ID: 31964843). This variant is reported in 0.014% of alleles in individuals of European (Finnish) descent in gnomAD. Nonsense variants in NBAS are expected to be pathogenic. This variant is interpreted as likely pathogenic.

Labcorp Genetics (formerly Invitae), Labcorp
Classification: Pathogenic. Last evaluated: 2024-04-15. Review status: criteria provided, single submitter. Criteria: Invitae Variant Classification Sherloc (09022015). Collection method: clinical testing. Allele origin: germline.
Comment: This sequence change creates a premature translational stop signal (p.Trp395*) in the NBAS gene. It is expected to result in an absent or disrupted protein product. Loss-of-function variants in NBAS are known to be pathogenic (PMID: 26073778, 26541327, 27789416, 28031453). This variant is present in population databases (rs758557442, gnomAD 0.01%). This variant has not been reported in the literature in individuals affected with NBAS-related conditions. For these reasons, this variant has been classified as Pathogenic.

Blueprint Genetics
Classification: Likely pathogenic for NBAS-related disorders. Last evaluated: 2023-02-28. Review status: criteria provided, single submitter. Criteria: ACMG Guidelines, 2015. Collection method: clinical testing. Allele origin: germline. Affected: yes. Observed: 5 variant alleles.

Literature cited by the submitters: PubMed 26073778 (cited by Labcorp Genetics (formerly Invitae), Labcorp); PubMed 26541327 (cited by Labcorp Genetics (formerly Invitae), Labcorp); PubMed 27789416 (cited by Labcorp Genetics (formerly Invitae), Labcorp); PubMed 28031453 (cited by Labcorp Genetics (formerly Invitae), Labcorp).